The following is an entry in ClinVar:

ClinVar aggregate classification (germline): Benign. Review status: criteria provided, multiple submitters, no conflicts (2 of 4 stars). 3 submissions from 3 submitters: Benign (3). Last evaluated 2023-11-12.

Allele frequency attached by ClinVar (database versions not stated): 1000 Genomes Project 30x 0.29310; 1000 Genomes Project 0.29433; TOPMed 0.30539; gnomAD 0.31331 and 0.31418.
gnomAD v4.1: 353,294 of 1,091,408 alleles (32%); highest among the groups gnomAD compares: South Asian, 36%; 60,306 homozygotes.

Submissions (3):

Unidad de Genómica Garrahan, Hospital de Pediatría Garrahan
Classification: Benign. Last evaluated: 2023-11-12. Review status: criteria provided, single submitter. Criteria: ACMG Guidelines, 2015. Collection method: clinical testing. Allele origin: germline. Affected: no. Observed: 46 variant alleles.
Comment: This variant is classified as Benign based on local population frequency. This variant was detected in 48% of patients studied by a panel of primary immunodeficiencies. Number of patients: 46. Only high quality variants are reported.

GeneDx
Classification: Benign. Last evaluated: 2021-06-19. Review status: criteria provided, single submitter. Criteria: GeneDx Variant Classification Process June 2021. Collection method: clinical testing. Allele origin: germline. Affected: yes.

Breakthrough Genomics
Classification: Benign. Review status: criteria provided, single submitter. Criteria: ACMG Guidelines, 2015. Collection method: not provided. Allele origin: germline. Inheritance: Autosomal recessive inheritance. Affected: yes.

NM_001128148.3(TFRC):c.2041-100G>A

Gene: TFRC (transferrin receptor; minus strand). Cytogenetic location: 3q29.
Variant type: single nucleotide variant.
Coding change: c.2041-100G>A on transcript NM_001128148.3 (MANE Select); 100 bases into the intron before coding-DNA position 2041, G replaced by A.
Molecular consequence: intron variant.
Genome position (GRCh38, 1-based): chr3:196,052,284, C>T on the plus strand (G>A on the coding strand, the complement: TFRC is on the minus strand). VCF-style: chr3-196052284-C-T. GRCh37 (hg19) VCF-style: chr3-195779155-C-T.
Other names: c.1195-100G>A (NM_001313966.2); c.1798-100G>A (NM_001313965.2); c.2041-100G>A (NM_003234.4).
Identifiers: ClinVar variation 1282201 (VCV001282201.4), dbSNP rs41298097, ClinGen allele CA15287942.